The following is an entry in ClinVar:

ClinVar aggregate classification (germline): Uncertain significance (1 of 4 stars; one submission).

gnomAD v4.1: 14 of 1,614,214 alleles (0.00087%); highest among the groups gnomAD compares: African/African-American, 0.017%; no homozygotes.

Submission:

Labcorp Genetics (formerly Invitae), Labcorp
Classification: Uncertain significance. Last evaluated: 2026-01-23. Review status: criteria provided, single submitter. Criteria: Invitae Variant Classification Sherloc (09022015). Collection method: clinical testing. Allele origin: germline.
Comment: This sequence change replaces isoleucine, which is neutral and non-polar, with valine, which is neutral and non-polar, at codon 49 of the AKR1C4 protein (p.Ile49Val). This variant is present in population databases (rs571238935, gnomAD 0.03%). This variant has not been reported in the literature in individuals affected with AKR1C4-related conditions. Invitae Evidence Modeling of protein sequence and biophysical properties (such as structural, functional, and spatial information, amino acid conservation, physicochemical variation, residue mobility, and thermodynamic stability) indicates that this missense variant is not expected to disrupt AKR1C4 protein function with a negative predictive value of 80%. In summary, the available evidence is currently insufficient to determine the role of this variant in disease. Therefore, it has been classified as a Variant of Uncertain Significance.

NM_001818.5(AKR1C4):c.145A>G (p.Ile49Val)

Gene: AKR1C4 (aldo-keto reductase family 1 member C4; plus strand). Cytogenetic location: 10p15.1.
Variant type: single nucleotide variant.
Coding change: c.145A>G on transcript NM_001818.5 (MANE Select); coding-DNA position 145, A replaced by G.
Protein change: p.Ile49Val; replaces isoleucine 49 with valine.
Molecular consequence: missense variant.
Genome position (GRCh38, 1-based): chr10:5,200,241, A>G. VCF-style: chr10-5200241-A-G. GRCh37 (hg19) VCF-style: chr10-5242204-A-G.
Other names: short protein forms I49V.
Identifiers: ClinVar variation 4754035 (VCV004754035.1).